The following is an entry in ClinVar:

NM_001723.7(DST):c.4196C>G (p.Ser1399Cys)

Gene: DST (dystonin; minus strand). Cytogenetic location: 6p12.1.
Variant type: single nucleotide variant.
Coding change: c.4196C>G on transcript NM_001723.7 (MANE Plus Clinical); coding-DNA position 4196, C replaced by G.
Protein change: p.Ser1399Cys; replaces serine 1399 with cysteine.
Molecular consequence: missense variant. On other transcripts: intron variant (10).
Genome position (GRCh38, 1-based): chr6:56,619,838, G>C on the plus strand (C>G on the coding strand, the complement: DST is on the minus strand). VCF-style: chr6-56619838-G-C. GRCh37 (hg19) VCF-style: chr6-56484636-G-C.
Other names: c.4196C>G (NM_001723.5); c.4830+4692C>G (NM_001144769.5); c.4929+4692C>G (NM_001374722.1, NM_001374736.1); c.4956+4692C>G (NM_001374734.1); c.4416+4692C>G (NM_001144770.2); c.4296+4692C>G (NM_001374730.1, NM_001386100.1, NM_183380.4 and 1 more transcripts); c.3318+4692C>G (NM_015548.5); short protein forms S1399C.
Identifiers: ClinVar variation 1475097 (VCV001475097.9), dbSNP rs149100373, ClinGen allele CA3870573.

ClinVar aggregate classification (germline): Uncertain significance. Review status: criteria provided, multiple submitters, no conflicts (2 of 4 stars). 2 submissions from 2 submitters: Uncertain significance (2). Last evaluated 2026-02-03.

Conditions:
Epidermolysis bullosa simplex 3, localized or generalized intermediate, with BP230 deficiency (EBS3). Also called: Epidermolysis bullosa simplex, autosomal recessive 2; Epidermolysis bullosa simplex due to BP230 deficiency. Identifiers: Orphanet 412181, MedGen C3809470, MONDO:0014180, OMIM 615425.
Hereditary sensory and autonomic neuropathy type 6. Also called: Neuropathy, hereditary sensory and autonomic, type VI; HSAN VI. Identifiers: Orphanet 314381, MedGen C3539003, MONDO:0013839, OMIM 614653.
DST-related disorder. Also called: DST-related disorders; DST-related condition.

Allele frequency attached by ClinVar (database versions not stated): gnomAD exomes 0.00001 and 0.00004; ExAC 0.00006; gnomAD 0.00013; ESP Exome Variant Server 0.00015; TOPMed 0.00015; 1000 Genomes Project 0.00040; 1000 Genomes Project 30x 0.00047.
gnomAD v4.1: 32 of 1,614,074 alleles (0.002%); highest among the groups gnomAD compares: African/African-American, 0.037%; no homozygotes.

Submissions (2):

PreventionGenetics, part of Exact Sciences
Classification: Uncertain significance for DST-related condition. Last evaluated: 2026-02-03. Review status: criteria provided, single submitter. Criteria: ACMG Guidelines, 2015. Collection method: clinical testing. Allele origin: germline.
Comment: The DST c.4196C>G variant is predicted to result in the amino acid substitution p.Ser1399Cys. To our knowledge, this variant has not been reported in the literature. This variant is reported in 0.052% of alleles in individuals of African descent in gnomAD. At this time, the clinical significance of this variant is uncertain due to the absence of conclusive functional and genetic evidence.

Labcorp Genetics (formerly Invitae), Labcorp
Classification: Uncertain significance for Epidermolysis bullosa simplex 3, localized or generalized intermediate, with BP230 deficiency; Hereditary sensory and autonomic neuropathy type 6. Last evaluated: 2023-05-01. Review status: criteria provided, single submitter. Criteria: Invitae Variant Classification Sherloc (09022015). Collection method: clinical testing. Allele origin: germline.
Comment: This sequence change replaces serine, which is neutral and polar, with cysteine, which is neutral and slightly polar, at codon 1399 of the DST protein (p.Ser1399Cys). This variant is present in population databases (rs149100373, gnomAD 0.05%). This variant has not been reported in the literature in individuals affected with DST-related conditions. ClinVar contains an entry for this variant (Variation ID: 1475097). An algorithm developed to predict the effect of missense changes on protein structure and function (PolyPhen-2) suggests that this variant is likely to be disruptive. In summary, the available evidence is currently insufficient to determine the role of this variant in disease. Therefore, it has been classified as a Variant of Uncertain Significance.